The following is an entry in ClinVar:

ClinVar aggregate classification (germline): Conflicting classifications of pathogenicity. Review status: criteria provided, conflicting classifications (1 of 4 stars). 4 submissions from 4 submitters: Uncertain significance (3); Likely benign (1). Last evaluated 2025-11-11.

Conditions:
Hereditary cancer-predisposing syndrome. Also called: Neoplastic Syndromes, Hereditary; Tumor predisposition; Hereditary Cancer Syndrome; Hereditary neoplastic syndrome. Identifiers: Orphanet 140162, MedGen C0027672, MeSH D009386, MONDO:0015356.
Hereditary breast ovarian cancer syndrome. Also called: Hereditary breast and ovarian cancer; Hereditary breast and/or ovarian cancer syndrome; BRCA1- and BRCA2-Associated Hereditary Breast and Ovarian Cancer; Breast and ovarian cancer; Hereditary breast and ovarian cancer syndrome; Hereditary breast and ovarian cancer syndrome (HBOC). Identifiers: Orphanet 145, MedGen C0677776, MeSH D061325, MONDO:0003582. Disease mechanism: loss of function.

Submissions (4):

Labcorp Genetics (formerly Invitae), Labcorp
Classification: Uncertain significance for Hereditary breast ovarian cancer syndrome. Last evaluated: 2025-11-11. Review status: criteria provided, single submitter. Criteria: Invitae Variant Classification Sherloc (09022015). Collection method: clinical testing. Allele origin: germline.
Comment: This sequence change replaces cysteine, which is neutral and slightly polar, with serine, which is neutral and polar, at codon 647 of the BRCA2 protein (p.Cys647Ser). This variant is not present in population databases (gnomAD no frequency). This variant has not been reported in the literature in individuals affected with BRCA2-related conditions. ClinVar contains an entry for this variant (Variation ID: 820369). Invitae Evidence Modeling of protein sequence and biophysical properties (such as structural, functional, and spatial information, amino acid conservation, physicochemical variation, residue mobility, and thermodynamic stability) indicates that this missense variant is not expected to disrupt BRCA2 protein function with a negative predictive value of 95%. In summary, the available evidence is currently insufficient to determine the role of this variant in disease. Therefore, it has been classified as a Variant of Uncertain Significance.

University of Washington Department of Laboratory Medicine, University of Washington
Classification: Likely benign for Hereditary cancer-predisposing syndrome. Last evaluated: 2023-03-23. Review status: criteria provided, single submitter. Criteria: Dines et al. (Genet Med. 2020). Collection method: curation. Allele origin: germline.
Comment: Missense variant in a coldspot region where missense variants are very unlikely to be pathogenic (PMID:31911673).

BRCA2 exon 11 coldspot. Reclassification based on statistical prior probability.

Blueprint Genetics
Classification: Uncertain significance. Last evaluated: 2021-09-16. Review status: criteria provided, single submitter. Criteria: ACMG Guidelines, 2015. Collection method: clinical testing. Allele origin: germline.

Ambry Genetics
Classification: Uncertain significance for Hereditary cancer-predisposing syndrome. Last evaluated: 2018-09-08. Review status: criteria provided, single submitter. Criteria: Ambry Variant Classification Scheme 2023. Collection method: clinical testing. Allele origin: germline.
Comment: The p.C647S variant (also known as c.1939T>A), located in coding exon 10 of the BRCA2 gene, results from a T to A substitution at nucleotide position 1939. The cysteine at codon 647 is replaced by serine, an amino acid with dissimilar properties. This amino acid position is not well conserved in available vertebrate species. In addition, this alteration is predicted to be tolerated by in silico analysis. Since supporting evidence is limited at this time, the clinical significance of this alteration remains unclear.

NM_000059.4(BRCA2):c.1939T>A (p.Cys647Ser)

Gene: BRCA2 (BRCA2 DNA repair associated; plus strand). Cytogenetic location: 13q13.1.
Variant type: single nucleotide variant.
Coding change: c.1939T>A on transcript NM_000059.4 (MANE Select); coding-DNA position 1939, T replaced by A.
Protein change: p.Cys647Ser; replaces cysteine 647 with serine.
Molecular consequence: missense variant.
Genome position (GRCh38, 1-based): chr13:32,336,294, T>A. VCF-style: chr13-32336294-T-A. GRCh37 (hg19) VCF-style: chr13-32910431-T-A.
Other names: short protein forms C647S.
Identifiers: ClinVar variation 820369 (VCV000820369.10), dbSNP rs1555282367, ClinGen allele CA387768350.